The following is an entry in ClinVar:

ClinVar aggregate classification (germline): Pathogenic/Likely pathogenic. Review status: criteria provided, multiple submitters, no conflicts (2 of 4 stars). 2 submissions from 2 submitters: Pathogenic (1); Likely pathogenic (1). Last evaluated 2024-10-17.

Conditions:
Neurofibromatosis, type 1 (NF1). Also called: NEUROFIBROMATOSIS, TYPE I, SOMATIC; Peripheral type neurofibromatosis; Neurofibromatosis, type I; VON RECKLINGHAUSEN DISEASE. Identifiers: Orphanet 636, MedGen C0027831, MONDO:0018975, OMIM 162200. Disease mechanism: loss of function.
NF1-related disorder. Also called: NF1-related condition. Identifiers: MedGen CN379171.

Submissions (2):

Blueprint Genetics
Classification: Likely pathogenic for NF1-related disorders. Last evaluated: 2024-10-17. Review status: criteria provided, single submitter. Criteria: ACMG Guidelines, 2015. Collection method: clinical testing. Allele origin: germline. Affected: yes. Observed: 1 variant allele.

Juno Genomics, Hangzhou Juno Genomics, Inc
Classification: Pathogenic for Neurofibromatosis, type 1. Review status: criteria provided, single submitter. Criteria: ACMG Guidelines, 2015. Collection method: clinical testing. Allele origin: germline. Affected: yes.
Comment: Null variant in a gene where loss of function (LOF) is a known mechanism of disease.;Absent from controls (or at extremely low frequency if recessive) in Genome Aggregation Database, Exome Sequencing Project, 1000 Genomes Project, or Exome Aggregation Consortium.;Patient's phenotype or family history is highly specific for a disease with a single genetic etiology.

NM_001042492.3(NF1):c.6658dup (p.Ile2220fs)

Gene: NF1 (neurofibromin 1; plus strand). Cytogenetic location: 17q11.2.
Variant type: Duplication.
Coding change: c.6658dup on transcript NM_001042492.3 (MANE Select); coding-DNA position 6658, one base duplicated (A; older notation c.6658dupA).
Protein change: p.Ile2220fs; shifts the reading frame from isoleucine 2220.
Molecular consequence: frameshift variant.
Genome position (GRCh38, 1-based): chr17:31,337,834, A duplicated. VCF-style (leftmost placement, unchanged base first): chr17-31337833-T-TA. GRCh37 (hg19) VCF-style: chr17-29664851-T-TA.
Other names: c.6595dup, p.Ile2199Asnfs (NM_000267.4); short protein forms I2199fs, I2220fs.
Identifiers: ClinVar variation 3382043 (VCV003382043.3).
Genomic context (GRCh38, chr17:31,337,833, plus strand): 5'-AAAAACATTTATGTACAATATGTATTCAGAGTATCCCCTTTTTTAGGCATGCATGAGAGA[T>TA]ATTCCAACGTGCAAGTGGCTGGACCAGTGGACAGAACTAGCTCAAAGGTATGTCCTAAAT-3'